The following is an entry in ClinVar:

ClinVar aggregate classification (germline): Uncertain significance (0 of 4 stars; one submission).

Conditions:
SEMA3B-related disorder. Also called: SEMA3B-related condition.

Allele frequency attached by ClinVar (database versions not stated): gnomAD 0.00003; ESP Exome Variant Server 0.00016.
gnomAD v4.1: 79 of 1,518,658 alleles (0.0052%); highest among the groups gnomAD compares: Non-Finnish European, 0.0067%; no homozygotes.

Submission:

PreventionGenetics, part of Exact Sciences
Classification: Uncertain significance for SEMA3B-related condition. Last evaluated: 2024-01-24. Review status: no assertion criteria provided. Collection method: clinical testing. Allele origin: germline.
Comment: The SEMA3B c.1223G>T variant is predicted to result in the amino acid substitution p.Arg408Leu. To our knowledge, this variant has not been reported in the literature. This variant is reported in 0.0049% of alleles in individuals of Latino descent in gnomAD. At this time, the clinical significance of this variant is uncertain due to the absence of conclusive functional and genetic evidence.

NM_001290060.2(SEMA3B):c.1208G>T (p.Arg403Leu)

Gene: SEMA3B (semaphorin 3B; plus strand). Cytogenetic location: 3p21.31.
Variant type: single nucleotide variant.
Coding change: c.1208G>T on transcript NM_001290060.2 (MANE Select); coding-DNA position 1208, G replaced by T.
Protein change: p.Arg403Leu; replaces arginine 403 with leucine.
Molecular consequence: missense variant. On other transcripts: non-coding transcript variant (1).
Genome position (GRCh38, 1-based): chr3:50,274,433, G>T. VCF-style: chr3-50274433-G-T. GRCh37 (hg19) VCF-style: chr3-50311864-G-T.
Other names: c.1205G>T, p.Arg402Leu (NM_001005914.3); c.1223G>T, p.Arg408Leu (NM_001290061.1); c.179G>T, p.Arg60Leu (NM_001290062.2, NM_001290063.2); c.1208G>T, p.Arg403Leu (NM_004636.4); short protein forms R402L, R403L, R408L, R60L.
Identifiers: ClinVar variation 3029945 (VCV003029945.2), dbSNP rs371136009, ClinGen allele CA2413986.